The following is an entry in ClinVar:

NM_002609.4(PDGFRB):c.109C>G (p.Pro37Ala)

Gene: PDGFRB (platelet derived growth factor receptor beta; minus strand). Cytogenetic location: 5q32.
Variant type: single nucleotide variant.
Coding change: c.109C>G on transcript NM_002609.4 (MANE Select); coding-DNA position 109, C replaced by G.
Protein change: p.Pro37Ala; replaces proline 37 with alanine.
Molecular consequence: missense variant. On other transcripts: 5 prime UTR variant (2).
Genome position (GRCh38, 1-based): chr5:150,135,810, G>C on the plus strand (C>G on the coding strand, the complement: PDGFRB is on the minus strand). VCF-style: chr5-150135810-G-C. GRCh37 (hg19) VCF-style: chr5-149515373-G-C.
Other names: c.-84C>G (NM_001355016.2); c.-409C>G (NM_001355017.2); short protein forms P37A.
Identifiers: ClinVar variation 1708623 (VCV001708623.2), dbSNP rs748906060, ClinGen allele CA3508409.

ClinVar aggregate classification (germline): Uncertain significance (1 of 4 stars; one submission).

gnomAD v4.1: 2 of 1,587,374 alleles (0.00013%); highest among the groups gnomAD compares: Non-Finnish European, 0.00017%; no homozygotes.

Submission:

GeneDx
Classification: Uncertain significance. Last evaluated: 2022-04-09. Review status: criteria provided, single submitter. Criteria: GeneDx Variant Classification Process June 2021. Collection method: clinical testing. Allele origin: germline. Affected: yes.
Comment: Not observed at significant frequency in large population cohorts (gnomAD); In silico analysis supports that this missense variant has a deleterious effect on protein structure/function; Has not been previously published as pathogenic or benign to our knowledge